The following is an entry in ClinVar:

NM_000368.5(TSC1):c.232G>T (p.Glu78Ter)

Gene: TSC1 (TSC complex subunit 1; minus strand). Cytogenetic location: 9q34.13.
Variant type: single nucleotide variant.
Coding change: c.232G>T on transcript NM_000368.5 (MANE Select); coding-DNA position 232, G replaced by T.
Protein change: p.Glu78Ter; replaces glutamic acid 78 with a stop codon.
Molecular consequence: nonsense. On other transcripts: 5 prime UTR variant (1), intron variant (1).
Genome position (GRCh38, 1-based): chr9:132,925,718, C>A on the plus strand (G>T on the coding strand, the complement: TSC1 is on the minus strand). VCF-style: chr9-132925718-C-A. GRCh37 (hg19) VCF-style: chr9-135801105-C-A.
Other names: c.232G>T, p.Glu78Ter (NM_001162426.2); c.-132G>T (NM_001362177.2); c.210+1483G>T (NM_001162427.2); short protein forms E78*.
Identifiers: ClinVar variation 627566 (VCV000627566.6), dbSNP rs1588355838, ClinGen allele CA375374791.
Genomic context (GRCh38, chr9:132,925,718, plus strand): 5'-TTATGACATGACCCAGTAACGAGAGGATGGATAAACGAGTGGCGGCTTTGCCCACATATT[C>A]GTTAATCCTGTCCAAGAGGTGCTGAAAATGTAAAAGAACAAGGGCAGTCCTCACATGAAT-3'

ClinVar aggregate classification (germline): Pathogenic/Likely pathogenic. Review status: criteria provided, multiple submitters, no conflicts (2 of 4 stars). 2 submissions from 2 submitters: Pathogenic (1); Likely pathogenic (1). Last evaluated 2023-10-29.

Conditions:
Tuberous sclerosis 1 (TSC1). Identifiers: Orphanet 805, MedGen C1854465, MONDO:0008612, OMIM 191100.

Submissions (2):

Labcorp Genetics (formerly Invitae), Labcorp
Classification: Pathogenic for Tuberous sclerosis 1. Last evaluated: 2023-10-29. Review status: criteria provided, single submitter. Criteria: Invitae Variant Classification Sherloc (09022015). Collection method: clinical testing. Allele origin: germline.
Comment: This sequence change creates a premature translational stop signal (p.Glu78*) in the TSC1 gene. It is expected to result in an absent or disrupted protein product. Loss-of-function variants in TSC1 are known to be pathogenic (PMID: 10227394, 17304050). This variant is not present in population databases (gnomAD no frequency). This premature translational stop signal has been observed in individual(s) with clinical features of tuberous sclerosis complex (PMID: 34573383). ClinVar contains an entry for this variant (Variation ID: 627566). Algorithms developed to predict the effect of sequence changes on RNA splicing suggest that this variant may disrupt the consensus splice site. For these reasons, this variant has been classified as Pathogenic.

Department of Medical Genetics, University of Pecs
Classification: Likely pathogenic for Tuberous sclerosis 1. Last evaluated: 2018-01-28. Review status: criteria provided, single submitter. Criteria: ACMG Guidelines, 2015. Collection method: clinical testing. Allele origin: germline. Affected: yes.
Comment: The TSC1 variant c.232G>T[p.(Glu78*)] creates a premature stop codon.

Literature cited by the submitters: PubMed 10227394 (cited by Labcorp Genetics (formerly Invitae), Labcorp); PubMed 17304050 (cited by Labcorp Genetics (formerly Invitae), Labcorp); PubMed 34573383 (cited by Labcorp Genetics (formerly Invitae), Labcorp).